The following is an entry in ClinVar:

ClinVar aggregate classification (germline): Uncertain significance. Review status: criteria provided, multiple submitters, no conflicts (2 of 4 stars). 3 submissions from 3 submitters: Uncertain significance (3). Last evaluated 2025-04-21.

Conditions:
Hereditary breast ovarian cancer syndrome. Also called: Hereditary breast and ovarian cancer; Hereditary breast and/or ovarian cancer syndrome; BRCA1- and BRCA2-Associated Hereditary Breast and Ovarian Cancer; Hereditary breast and ovarian cancer syndrome; Hereditary breast and ovarian cancer syndrome (HBOC); Breast and ovarian cancer. Identifiers: Orphanet 145, MedGen C0677776, MeSH D061325, MONDO:0003582. Disease mechanism: loss of function.
Hereditary cancer-predisposing syndrome. Also called: Tumor predisposition; Hereditary Cancer Syndrome; Hereditary neoplastic syndrome; Neoplastic Syndromes, Hereditary. Identifiers: Orphanet 140162, MedGen C0027672, MeSH D009386, MONDO:0015356.
Familial cancer of breast. Also called: BREAST CANCER, FAMILIAL; Hereditary breast cancer; hereditary breast carcinoma. Identifiers: Orphanet 227535, MedGen C0346153, MONDO:0016419, OMIM 114480. Disease mechanism: loss of function.

Submissions (3):

Ambry Genetics
Classification: Uncertain significance for Hereditary cancer-predisposing syndrome. Last evaluated: 2025-04-21. Review status: criteria provided, single submitter. Criteria: Ambry Variant Classification Scheme 2023. Collection method: clinical testing. Allele origin: germline.
Comment: The p.L2653R variant (also known as c.7958T>G), located in coding exon 16 of the BRCA2 gene, results from a T to G substitution at nucleotide position 7958. The leucine at codon 2653 is replaced by arginine, an amino acid with dissimilar properties. The results from two saturation genome editing-based studies, including a haploid cell-survival assay and a humanized mouse embryonic stem cell line assay of drug response and survival, are discordant for this nucleotide substitution (Huang H et al. Nature. 2025 Feb;638(8050):528-537; Sahu S et al. Nature. 2025 Feb;638(8050):538-545). This amino acid position is highly conserved in available vertebrate species. In addition, this alteration is predicted to be deleterious by in silico analysis. Based on the available evidence, the clinical significance of this variant remains unclear.

Baylor Genetics
Classification: Uncertain significance for Familial cancer of breast. Last evaluated: 2023-06-16. Review status: criteria provided, single submitter. Criteria: ACMG Guidelines, 2015. Collection method: clinical testing. Allele origin: unknown.

Labcorp Genetics (formerly Invitae), Labcorp
Classification: Uncertain significance for Hereditary breast ovarian cancer syndrome. Last evaluated: 2023-02-08. Review status: criteria provided, single submitter. Criteria: Invitae Variant Classification Sherloc (09022015). Collection method: clinical testing. Allele origin: germline.
Comment: This variant has not been reported in the literature in individuals affected with BRCA2-related conditions. In summary, the available evidence is currently insufficient to determine the role of this variant in disease. Therefore, it has been classified as a Variant of Uncertain Significance. This variant disrupts the p.Leu2653 amino acid residue in BRCA2. Other variant(s) that disrupt this residue have been determined to be pathogenic (PMID: 17924331, 19043619, 21990134, 22678057, 23108138, 24323938, 26718727). This suggests that this residue is clinically significant, and that variants that disrupt this residue are likely to be disease-causing. Algorithms developed to predict the effect of missense changes on protein structure and function (SIFT, PolyPhen-2, Align-GVGD) all suggest that this variant is likely to be disruptive. ClinVar contains an entry for this variant (Variation ID: 409607). This variant is not present in population databases (gnomAD no frequency). This sequence change replaces leucine, which is neutral and non-polar, with arginine, which is basic and polar, at codon 2653 of the BRCA2 protein (p.Leu2653Arg).

Literature cited by the submitters: PubMed 39779848 (cited by Ambry Genetics); PubMed 39779857 (cited by Ambry Genetics); PubMed 17924331 (cited by Labcorp Genetics (formerly Invitae), Labcorp); PubMed 19043619 (cited by Labcorp Genetics (formerly Invitae), Labcorp); PubMed 21990134 (cited by Labcorp Genetics (formerly Invitae), Labcorp); PubMed 22678057 (cited by Labcorp Genetics (formerly Invitae), Labcorp); PubMed 23108138 (cited by Labcorp Genetics (formerly Invitae), Labcorp); PubMed 24323938 (cited by Labcorp Genetics (formerly Invitae), Labcorp); PubMed 26718727 (cited by Labcorp Genetics (formerly Invitae), Labcorp).

NM_000059.4(BRCA2):c.7958T>G (p.Leu2653Arg)

Gene: BRCA2 (BRCA2 DNA repair associated; plus strand). Cytogenetic location: 13q13.1.
Variant type: single nucleotide variant.
Coding change: c.7958T>G on transcript NM_000059.4 (MANE Select); coding-DNA position 7958, T replaced by G.
Protein change: p.Leu2653Arg; replaces leucine 2653 with arginine.
Molecular consequence: missense variant.
Genome position (GRCh38, 1-based): chr13:32,362,675, T>G. VCF-style: chr13-32362675-T-G. GRCh37 (hg19) VCF-style: chr13-32936812-T-G.
Other names: short protein forms L2653R.
Identifiers: ClinVar variation 409607 (VCV000409607.11), dbSNP rs80359022, ClinGen allele CA16614368.
Genomic context (GRCh38, chr13:32,362,675, plus strand): 5'-CTATGGAATGTGCCTTTCCTAAGGAATTTGCTAATAGATGCCTAAGCCCAGAAAGGGTGC[T>G]TCTTCAACTAAAATACAGGCAAGTTTAAAGCATTACATTACGTAATCATATACGGCAGTA-3'
Protein context (NP_000050.3, residues 2643-2663): ANRCLSPERV[Leu2653Arg]LQLKYRYDTE